The following is an entry in ClinVar:

NM_001093.4(ACACB):c.5880A>G (p.Thr1960=)

Gene: ACACB (acetyl-CoA carboxylase beta; plus strand). Cytogenetic location: 12q24.11.
Variant type: single nucleotide variant.
Coding change: c.5880A>G on transcript NM_001093.4 (MANE Select); coding-DNA position 5880, A replaced by G.
Protein change: p.Thr1960=; no amino-acid change (threonine 1960 retained).
Molecular consequence: synonymous variant.
Genome position (GRCh38, 1-based): chr12:109,252,135, A>G. VCF-style: chr12-109252135-A-G. GRCh37 (hg19) VCF-style: chr12-109689940-A-G.
Identifiers: ClinVar variation 708692 (VCV000708692.29), dbSNP rs145335220, ClinGen allele CA6774888.

ClinVar aggregate classification (germline): Benign/Likely benign. Review status: criteria provided, multiple submitters, no conflicts (2 of 4 stars). 3 submissions from 3 submitters: Benign (2); Likely benign (1). Last evaluated 2024-02-01.

Allele frequency attached by ClinVar (database versions not stated): 1000 Genomes Project 30x 0.00422; 1000 Genomes Project 0.00439; TOPMed 0.00644; gnomAD exomes 0.00709 and 0.00968; gnomAD 0.00758; ESP Exome Variant Server 0.00823; ExAC 0.00906.

Submissions (3):

CeGaT Center for Human Genetics Tuebingen
Classification: Likely benign. Last evaluated: 2024-02-01. Review status: criteria provided, single submitter. Criteria: CeGaT Center For Human Genetics Tuebingen Variant Classification Criteria Version 2. Collection method: clinical testing. Allele origin: germline. Affected: yes. Observed: 1 variant allele.
Comment: ACACB: BP4, BP7, BS2

Labcorp Genetics (formerly Invitae), Labcorp
Classification: Benign. Last evaluated: 2019-12-31. Review status: criteria provided, single submitter. Criteria: Invitae Variant Classification Sherloc (09022015). Collection method: clinical testing. Allele origin: germline.

Breakthrough Genomics
Classification: Benign. Review status: criteria provided, single submitter. Criteria: ACMG Guidelines, 2015. Collection method: not provided. Allele origin: germline. Inheritance: Unknown mechanism. Affected: yes.